The following is an entry in ClinVar:

ClinVar aggregate classification (germline): Uncertain significance (1 of 4 stars; one submission).

Conditions:
Niemann-Pick disease, type C1. Also called: NEUROVISCERAL STORAGE DISEASE WITH VERTICAL SUPRANUCLEAR OPHTHALMOPLEGIA; NIEMANN-PICK DISEASE WITH CHOLESTEROL ESTERIFICATION BLOCK; NIEMANN-PICK DISEASE WITHOUT SPHINGOMYELINASE DEFICIENCY; NIEMANN-PICK DISEASE, CHRONIC NEURONOPATHIC FORM; NIEMANN-PICK DISEASE, VARIANT TYPE C1. Identifiers: Orphanet 646, MedGen C3179455, MONDO:0009757, OMIM 257220.

Allele frequency attached by ClinVar (database versions not stated): gnomAD exomes below 0.00001 and 0.00001.
gnomAD v4.1: 2 of 1,534,106 alleles (0.00013%); highest among the groups gnomAD compares: Admixed American, 0.002%; no homozygotes.

Submission:

Labcorp Genetics (formerly Invitae), Labcorp
Classification: Uncertain significance for Niemann-Pick disease, type C1. Last evaluated: 2022-01-14. Review status: criteria provided, single submitter. Criteria: Invitae Variant Classification Sherloc (09022015). Collection method: clinical testing. Allele origin: germline.
Comment: This sequence change replaces leucine, which is neutral and non-polar, with phenylalanine, which is neutral and non-polar, at codon 10 of the NPC1 protein (p.Leu10Phe). This variant is present in population databases (no rsID available, gnomAD 0.004%). This variant has not been reported in the literature in individuals affected with NPC1-related conditions. Algorithms developed to predict the effect of missense changes on protein structure and function output the following: SIFT: "Tolerated"; PolyPhen-2: "Benign"; Align-GVGD: "Class C0". The phenylalanine amino acid residue is found in multiple mammalian species, which suggests that this missense change does not adversely affect protein function. In summary, the available evidence is currently insufficient to determine the role of this variant in disease. Therefore, it has been classified as a Variant of Uncertain Significance.

NM_000271.5(NPC1):c.28C>T (p.Leu10Phe)

Gene: NPC1 (NPC intracellular cholesterol transporter 1; minus strand). Cytogenetic location: 18q11.2.
Variant type: single nucleotide variant.
Coding change: c.28C>T on transcript NM_000271.5 (MANE Select); coding-DNA position 28, C replaced by T.
Protein change: p.Leu10Phe; replaces leucine 10 with phenylalanine.
Molecular consequence: missense variant.
Genome position (GRCh38, 1-based): chr18:23,586,316, G>A on the plus strand (C>T on the coding strand, the complement: NPC1 is on the minus strand). VCF-style: chr18-23586316-G-A. GRCh37 (hg19) VCF-style: chr18-21166280-G-A.
Other names: short protein forms L10F.
Identifiers: ClinVar variation 1482644 (VCV001482644.5), dbSNP rs1272422974, ClinGen allele CA402041518.